The following is an entry in ClinVar:

NM_003079.5(SMARCE1):c.955G>T (p.Val319Phe)

Gene: SMARCE1 (SWI/SNF related BAF chromatin remodeling complex subunit E1; minus strand). Cytogenetic location: 17q21.2.
Variant type: single nucleotide variant.
Coding change: c.955G>T on transcript NM_003079.5 (MANE Select); coding-DNA position 955, G replaced by T.
Protein change: p.Val319Phe; replaces valine 319 with phenylalanine.
Molecular consequence: missense variant.
Genome position (GRCh38, 1-based): chr17:40,630,786, C>A on the plus strand (G>T on the coding strand, the complement: SMARCE1 is on the minus strand). VCF-style: chr17-40630786-C-A. GRCh37 (hg19) VCF-style: chr17-38787038-C-A.
Other names: short protein forms V319F.
Identifiers: ClinVar variation 2716841 (VCV002716841.3), dbSNP rs140414666, ClinGen allele CA399363456.
Genomic context (GRCh38, chr17:40,630,786, plus strand): 5'-GAATGTTCTCGTCGTCTTTCTTCTCCTCGCCTTTGTTAGCTGCTTGTTCTTCCTCAGGAA[C>A]GATGCTGCTCTGACTGCGCTCAGCTTGCTCTGCGGCCTCCTTCTCCCTTTCCTCCTGCCT-3'
Protein context (NP_003070.3, residues 309-329): EQAERSQSSI[Val319Phe]PEEEQAANKG

ClinVar aggregate classification (germline): Uncertain significance (1 of 4 stars; one submission).

Conditions:
Familial meningioma. Also called: Meningioma, familial, susceptibility to. Identifiers: Orphanet 263662, MedGen C3551915, MONDO:0011789, OMIM 607174.

Submission:

Labcorp Genetics (formerly Invitae), Labcorp
Classification: Uncertain significance for Familial meningioma. Last evaluated: 2023-06-15. Review status: criteria provided, single submitter. Criteria: Invitae Variant Classification Sherloc (09022015). Collection method: clinical testing. Allele origin: germline.
Comment: In summary, the available evidence is currently insufficient to determine the role of this variant in disease. Therefore, it has been classified as a Variant of Uncertain Significance. Advanced modeling of protein sequence and biophysical properties (such as structural, functional, and spatial information, amino acid conservation, physicochemical variation, residue mobility, and thermodynamic stability) performed at Invitae indicates that this missense variant is not expected to disrupt SMARCE1 protein function. This variant has not been reported in the literature in individuals affected with SMARCE1-related conditions. This variant is not present in population databases (gnomAD no frequency). This sequence change replaces valine, which is neutral and non-polar, with phenylalanine, which is neutral and non-polar, at codon 319 of the SMARCE1 protein (p.Val319Phe).